The following is an entry in ClinVar:

ClinVar aggregate classification (germline): Uncertain significance (1 of 4 stars; one submission).

Allele frequency attached by ClinVar (database versions not stated): ExAC 0.00001; gnomAD exomes 0.00002.
gnomAD v4.1: 34 of 1,613,846 alleles (0.0021%); highest among the groups gnomAD compares: Non-Finnish European, 0.0024%; no homozygotes.

Submission:

Labcorp Genetics (formerly Invitae), Labcorp
Classification: Uncertain significance. Last evaluated: 2022-06-18. Review status: criteria provided, single submitter. Criteria: Invitae Variant Classification Sherloc (09022015). Collection method: clinical testing. Allele origin: germline.
Comment: In summary, the available evidence is currently insufficient to determine the role of this variant in disease. Therefore, it has been classified as a Variant of Uncertain Significance. Algorithms developed to predict the effect of missense changes on protein structure and function output the following: SIFT: "Tolerated"; PolyPhen-2: "Benign"; Align-GVGD: "Class C0". The threonine amino acid residue is found in multiple mammalian species, which suggests that this missense change does not adversely affect protein function. This variant has not been reported in the literature in individuals affected with C8B-related conditions. This variant is present in population databases (rs774266775, gnomAD 0.003%). This sequence change replaces alanine, which is neutral and non-polar, with threonine, which is neutral and polar, at codon 249 of the C8B protein (p.Ala249Thr).

NM_000066.4(C8B):c.745G>A (p.Ala249Thr)

Gene: C8B (complement C8 beta chain; minus strand). Cytogenetic location: 1p32.2.
Variant type: single nucleotide variant.
Coding change: c.745G>A on transcript NM_000066.4 (MANE Select); coding-DNA position 745, G replaced by A.
Protein change: p.Ala249Thr; replaces alanine 249 with threonine.
Molecular consequence: missense variant.
Genome position (GRCh38, 1-based): chr1:56,949,674, C>T on the plus strand (G>A on the coding strand, the complement: C8B is on the minus strand). VCF-style: chr1-56949674-C-T. GRCh37 (hg19) VCF-style: chr1-57415347-C-T.
Other names: c.589G>A, p.Ala197Thr (NM_001278543.2); c.559G>A, p.Ala187Thr (NM_001278544.2); short protein forms A187T, A197T, A249T.
Identifiers: ClinVar variation 2171247 (VCV002171247.3), dbSNP rs774266775, ClinGen allele CA875868.